The following is an entry in ClinVar:

ClinVar aggregate classification (germline): Uncertain significance. Review status: criteria provided, multiple submitters, no conflicts (2 of 4 stars). 5 submissions from 5 submitters: Uncertain significance (5). Last evaluated 2025-12-17.

Conditions:
OTOGL-related disorder. Also called: OTOGL-related condition.
Inborn genetic diseases. Identifiers: MedGen C0950123, MeSH D030342.

Allele frequency attached by ClinVar (database versions not stated): TOPMed 0.00005; gnomAD exomes 0.00007; gnomAD 0.00008 and 0.00009; ExAC 0.00010; ESP Exome Variant Server 0.00016.
gnomAD v4.1: 113 of 1,607,320 alleles (0.007%); highest among the groups gnomAD compares: Non-Finnish European, 0.0084%; 1 homozygote.

Submissions (5):

PreventionGenetics, part of Exact Sciences
Classification: Uncertain significance for OTOGL-related condition. Last evaluated: 2025-12-17. Review status: criteria provided, single submitter. Criteria: ACMG Guidelines, 2015. Collection method: clinical testing. Allele origin: germline.
Comment: The OTOGL c.3430G>A variant is predicted to result in the amino acid substitution p.Val1144Ile. To our knowledge, this variant has not been reported in the literature. This variant is reported in 0.016% of alleles in individuals of European (Finnish) descent in gnomAD. At this time, the clinical significance of this variant is uncertain due to the absence of conclusive functional and genetic evidence.

Blueprint Genetics
Classification: Uncertain significance. Last evaluated: 2024-10-29. Review status: criteria provided, single submitter. Criteria: ACMG Guidelines, 2015. Collection method: clinical testing. Allele origin: germline.

GeneDx
Classification: Uncertain significance. Last evaluated: 2024-07-09. Review status: criteria provided, single submitter. Criteria: GeneDx Variant Classification Process June 2021. Collection method: clinical testing. Allele origin: germline.
Comment: In silico analysis indicates that this missense variant does not alter protein structure/function; Has not been previously published as pathogenic or benign to our knowledge

Ambry Genetics
Classification: Uncertain significance for Inborn genetic diseases. Last evaluated: 2024-05-24. Review status: criteria provided, single submitter. Criteria: Ambry Variant Classification Scheme 2023. Collection method: clinical testing. Allele origin: germline.

Labcorp Genetics (formerly Invitae), Labcorp
Classification: Uncertain significance. Last evaluated: 2022-07-26. Review status: criteria provided, single submitter. Criteria: Invitae Variant Classification Sherloc (09022015). Collection method: clinical testing. Allele origin: germline.
Comment: This sequence change replaces valine, which is neutral and non-polar, with isoleucine, which is neutral and non-polar, at codon 1144 of the OTOGL protein (p.Val1144Ile). This variant is present in population databases (rs200467965, gnomAD 0.02%). This variant has not been reported in the literature in individuals affected with OTOGL-related conditions. ClinVar contains an entry for this variant (Variation ID: 1434350). Algorithms developed to predict the effect of missense changes on protein structure and function are either unavailable or do not agree on the potential impact of this missense change (SIFT: "Deleterious"; PolyPhen-2: "Possibly Damaging"; Align-GVGD: "Class C0"). In summary, the available evidence is currently insufficient to determine the role of this variant in disease. Therefore, it has been classified as a Variant of Uncertain Significance.

NM_001378609.3(OTOGL):c.3457G>A (p.Val1153Ile)

Gene: OTOGL (otogelin like; plus strand). Cytogenetic location: 12q21.31.
Variant type: single nucleotide variant.
Coding change: c.3457G>A on transcript NM_001378609.3 (MANE Select); coding-DNA position 3457, G replaced by A.
Protein change: p.Val1153Ile; replaces valine 1153 with isoleucine.
Molecular consequence: missense variant.
Genome position (GRCh38, 1-based): chr12:80,313,482, G>A. VCF-style: chr12-80313482-G-A. GRCh37 (hg19) VCF-style: chr12-80707262-G-A.
Other names: c.3322G>A, p.Val1108Ile (NM_001368062.3); c.3457G>A, p.Val1153Ile (NM_001378610.3, NM_173591.7); c.3430G>A (NM_173591.3); short protein forms V1108I, V1153I.
Identifiers: ClinVar variation 1434350 (VCV001434350.7), dbSNP rs200467965, ClinGen allele CA6701088.
Genomic context (GRCh38, chr12:80,313,482, plus strand): 5'-TAAATCATAATCAGTATCTATTGAAATTAAGTAATCTTTCACCTCATTTTTCAGATTGAC[G>A]TTACTTCTTTTGCCAAAAATTGTCATGAAGATACATGTAACTGCAATCTTGGTGGCGACT-3'
Protein context (NP_001365538.2, residues 1143-1163): IFASCRNVID[Val1153Ile]TSFAKNCHED